The following is an entry in ClinVar:

NM_001134407.3(GRIN2A):c.723_731del (p.Glu242_Arg244del)

Gene: GRIN2A (glutamate ionotropic receptor NMDA type subunit 2A; minus strand). Cytogenetic location: 16p13.2.
Variant type: Deletion.
Coding change: c.723_731del on transcript NM_001134407.3 (MANE Select); coding-DNA positions 723 to 731, 9 bases deleted (TGAGGCCCG; older notation c.723_731delTGAGGCCCG).
Protein change: p.Glu242_Arg244del.
Genome position (GRCh38, 1-based): chr16:9,938,235-9,938,243, CGGGCCTCA deleted on the plus strand (TGAGGCCCG on the coding strand, the reverse complement: GRIN2A is on the minus strand); deleting any 9 consecutive bases within chr16:9,938,235-9,938,244 gives the same sequence; the c. name uses the placement nearest the transcript's 3' end. VCF-style (leftmost placement, unchanged base first): chr16-9938234-GCGGGCCTCA-G. GRCh37 (hg19) VCF-style: chr16-10032091-GCGGGCCTCA-G.
Other names: c.723_731del, p.Glu242_Arg244del (NM_000833.5, NM_001134408.2).
Identifiers: ClinVar variation 3900429 (VCV003900429.1).

ClinVar aggregate classification (germline): Uncertain significance (1 of 4 stars; one submission).

Submission:

GeneDx
Classification: Uncertain significance. Last evaluated: 2024-11-20. Review status: criteria provided, single submitter. Criteria: GeneDx Variant Classification Process June 2021. Collection method: clinical testing. Allele origin: germline. Affected: yes.
Comment: Not observed at significant frequency in large population cohorts (gnomAD); In-frame deletion of 3 amino acids in a non-repeat region; In silico analysis indicates that this variant does not alter protein structure/function; Has not been previously published as pathogenic or benign to our knowledge